The following is an entry in ClinVar:

NM_004415.4(DSP):c.2393G>C (p.Cys798Ser)

Gene: DSP (desmoplakin; plus strand). Cytogenetic location: 6p24.3.
Variant type: single nucleotide variant.
Coding change: c.2393G>C on transcript NM_004415.4 (MANE Select); coding-DNA position 2393, G replaced by C.
Protein change: p.Cys798Ser; replaces cysteine 798 with serine.
Molecular consequence: missense variant.
Genome position (GRCh38, 1-based): chr6:7,574,752, G>C. VCF-style: chr6-7574752-G-C. GRCh37 (hg19) VCF-style: chr6-7574985-G-C.
Other names: c.2393G>C, p.Cys798Ser (NM_001008844.3, NM_001319034.2); short protein forms C798S.
Identifiers: ClinVar variation 4614038 (VCV004614038.1).

ClinVar aggregate classification (germline): Uncertain significance (1 of 4 stars; one submission).

Conditions:
Cardiovascular phenotype. Identifiers: MedGen CN230736.

Submission:

Ambry Genetics
Classification: Uncertain significance for Cardiovascular phenotype. Last evaluated: 2025-10-14. Review status: criteria provided, single submitter. Criteria: Ambry Variant Classification Scheme 2023. Collection method: clinical testing. Allele origin: germline.
Comment: The p.C798S variant (also known as c.2393G>C), located in coding exon 17 of the DSP gene, results from a G to C substitution at nucleotide position 2393. The cysteine at codon 798 is replaced by serine, an amino acid with dissimilar properties. This amino acid position is conserved. In addition, this alteration is predicted to be tolerated by in silico analysis. Based on the available evidence, the clinical significance of this variant remains unclear.